The following is an entry in ClinVar:

NM_001267550.2(TTN):c.64244G>A (p.Trp21415Ter)

Genes: TTN (titin; minus strand), TTN-AS1 (TTN antisense RNA 1; plus strand). Cytogenetic location: 2q31.2.
Variant type: single nucleotide variant.
Coding change: c.64244G>A on transcript NM_001267550.2 (MANE Select); coding-DNA position 64244, G replaced by A.
Protein change: p.Trp21415Ter; replaces tryptophan 21415 with a stop codon.
Molecular consequence: nonsense.
Genome position (GRCh38, 1-based): chr2:178,586,657, C>T on the plus strand (G>A on the coding strand, the complement: TTN is on the minus strand). VCF-style: chr2-178586657-C-T. GRCh37 (hg19) VCF-style: chr2-179451384-C-T.
Other names: c.56540G>A, p.Trp18847Ter (NM_133378.4); c.37424G>A, p.Trp12475Ter (NM_133432.3); c.37625G>A, p.Trp12542Ter (NM_133437.4); c.59321G>A, p.Trp19774Ter (NM_001256850.1); c.37049G>A, p.Trp12350Ter (NM_003319.4); short protein forms W12350*, W12475*, W12542*, W18847*, W21415*, W19774*.
Identifiers: ClinVar variation 3258074 (VCV003258074.1).

ClinVar aggregate classification (germline): Likely pathogenic (1 of 4 stars; one submission).

Conditions:
Dilated cardiomyopathy 1G (CMD1G). Identifiers: Orphanet 154, MedGen C1858763, MONDO:0011400, OMIM 604145.

Submission:

KardioGenetik, Herz- und Diabeteszentrum NRW
Classification: Likely pathogenic for Dilated cardiomyopathy 1G. Last evaluated: 2024-06-13. Review status: criteria provided, single submitter. Criteria: ACMG Guidelines, 2015. Collection method: clinical testing. Allele origin: unknown. Affected: yes. Observed: 1 variant allele.
Comment: PVS1, PM2_supporting